The following is an entry in ClinVar:

ClinVar aggregate classification (germline): Likely benign (0 of 4 stars; one submission).

Conditions:
KIDINS220-related disorder. Also called: KIDINS220-related condition.

gnomAD v4.1: 67 of 1,607,244 alleles (0.0042%); highest among the groups gnomAD compares: South Asian, 0.075%; 1 homozygote.

Submission:

PreventionGenetics, part of Exact Sciences
Classification: Likely benign for KIDINS220-related condition. Last evaluated: 2021-06-18. Review status: no assertion criteria provided. Collection method: clinical testing. Allele origin: germline.
Comment: This variant is classified as likely benign based on ACMG/AMP sequence variant interpretation guidelines (Richards et al. 2015 PMID: 25741868, with internal and published modifications).

NM_020738.4(KIDINS220):c.273G>A (p.Leu91=)

Gene: KIDINS220 (kinase D interacting substrate 220; minus strand). Cytogenetic location: 2p25.1.
Variant type: single nucleotide variant.
Coding change: c.273G>A on transcript NM_020738.4 (MANE Select); coding-DNA position 273, G replaced by A.
Protein change: p.Leu91=; no amino-acid change (leucine 91 retained).
Molecular consequence: synonymous variant. On other transcripts: non-coding transcript variant (2).
Genome position (GRCh38, 1-based): chr2:8,817,651, C>T on the plus strand (G>A on the coding strand, the complement: KIDINS220 is on the minus strand). VCF-style: chr2-8817651-C-T. GRCh37 (hg19) VCF-style: chr2-8957781-C-T.
Other names: c.273G>A, p.Leu91= (NM_001348729.2, NM_001348731.2, NM_001348732.2 and 9 more transcripts); c.147G>A, p.Leu49= (NM_001348736.2).
Identifiers: ClinVar variation 3357127 (VCV003357127.1).